The following is an entry in ClinVar:

ClinVar aggregate classification (germline): Pathogenic/Likely pathogenic. Review status: criteria provided, multiple submitters, no conflicts (2 of 4 stars). 2 submissions from 2 submitters: Pathogenic (1); Likely pathogenic (1). Last evaluated 2024-08-20.

Conditions:
Autosomal recessive congenital ichthyosis 1 (LI1). Also called: ICHTHYOSIS, CONGENITAL, AUTOSOMAL RECESSIVE 1, WITH OR WITHOUT BATHING SUIT DISTRIBUTION; COLLODION FETUS; DESQUAMATION OF NEWBORN; ICHTHYOSIS CONGENITA; ICHTHYOSIS CONGENITA II; LAMELLAR EXFOLIATION OF NEWBORN. Identifiers: MedGen C4551630, MONDO:0009441, OMIM 242300.

Allele frequency attached by ClinVar (database versions not stated): gnomAD exomes below 0.00001.

Submissions (2):

Natera, Inc.
Classification: Likely pathogenic for Autosomal recessive congenital ichthyosis type 1. Last evaluated: 2024-08-20. Review status: criteria provided, single submitter. Criteria: Natera Variant Classification Schema (03/2026). Collection method: clinical testing. Allele origin: germline.
Comment: The c.443del variant in TGM1 is a frameshift variant predicted to shift the reading frame beginning at codon 148 and leads to a stop codon 34 codons downstream. This variant is expected to result in nonsense mediated decay, truncation, or a dysfunctional protein product. This variant is rare in the general population with a frequency below the threshold expected for the associated phenotype(s). Given the available evidence, this variant is classified as Likely Pathogenic.

Labcorp Genetics (formerly Invitae), Labcorp
Classification: Pathogenic. Last evaluated: 2022-05-01. Review status: criteria provided, single submitter. Criteria: Invitae Variant Classification Sherloc (09022015). Collection method: clinical testing. Allele origin: germline.
Comment: For these reasons, this variant has been classified as Pathogenic. This variant has not been reported in the literature in individuals affected with TGM1-related conditions. This variant is not present in population databases (gnomAD no frequency). This sequence change creates a premature translational stop signal (p.His148Leufs*34) in the TGM1 gene. It is expected to result in an absent or disrupted protein product. Loss-of-function variants in TGM1 are known to be pathogenic (PMID: 18948357, 19241467).

Literature cited by the submitters: PubMed 18948357 (cited by Labcorp Genetics (formerly Invitae), Labcorp); PubMed 19241467 (cited by Labcorp Genetics (formerly Invitae), Labcorp).

NM_000359.3(TGM1):c.443del (p.His148fs)

Gene: TGM1 (transglutaminase 1; minus strand). Cytogenetic location: 14q12.
Variant type: Deletion.
Coding change: c.443del on transcript NM_000359.3 (MANE Select); coding-DNA position 443, one base deleted (A; older notation c.443delA).
Protein change: p.His148fs; shifts the reading frame from histidine 148.
Molecular consequence: frameshift variant.
Genome position (GRCh38, 1-based): chr14:24,261,760, T deleted on the plus strand (A on the coding strand, the reverse complement: TGM1 is on the minus strand). VCF-style (leftmost placement, unchanged base first): chr14-24261759-AT-A. GRCh37 (hg19) VCF-style: chr14-24730965-AT-A.
Other names: c.443del (NM_000359.2); short protein forms H148fs.
Identifiers: ClinVar variation 1976009 (VCV001976009.6), dbSNP rs2502507903, ClinGen allele CA2580087990.
Genomic context (GRCh38, chr14:24,261,759, plus strand): 5'-GAGTAACTCAAGGGTGATGCGATCAGAGGATTCATAGGTCCGGGACAGGAGGAGGAGCAT[AT>A]GGAAAGGCTGCCCGCGGCGCACTATCAGCTCGTCGTACTCATACTCGTCTGTGTGGTGCT-3'